The following is an entry in ClinVar:

NM_199420.4(POLQ):c.5867C>T (p.Ser1956Phe)

Gene: POLQ (DNA polymerase theta; minus strand). Cytogenetic location: 3q13.33.
Variant type: single nucleotide variant.
Coding change: c.5867C>T on transcript NM_199420.4 (MANE Select); coding-DNA position 5867, C replaced by T.
Protein change: p.Ser1956Phe; replaces serine 1956 with phenylalanine.
Molecular consequence: missense variant.
Genome position (GRCh38, 1-based): chr3:121,483,489, G>A on the plus strand (C>T on the coding strand, the complement: POLQ is on the minus strand). VCF-style: chr3-121483489-G-A. GRCh37 (hg19) VCF-style: chr3-121202336-G-A.
Other names: short protein forms S1956F.
Identifiers: ClinVar variation 1750169 (VCV001750169.3), dbSNP rs2546781725, ClinGen allele CA354088617.
Genomic context (GRCh38, chr3:121,483,489, plus strand): 5'-AGAAGAAGAATTTTATAGCTCTGGATGAAGTCATAGATGACAACAGAACATTCTTTATCA[G>A]ATTCCTTTCGCAAGCAAGATTGAAGGTACCACATCCTGTCTTTCAAAGTCAGGCTTGGAT-3'
Protein context (NP_955452.3, residues 1946-1966): WYLQSCLRKE[Ser1956Phe]DKECSVVIYD

ClinVar aggregate classification (germline): Uncertain significance (1 of 4 stars; one submission).

Allele frequency attached by ClinVar (database versions not stated): gnomAD exomes 0.00001.
gnomAD v4.1: 8 of 1,607,946 alleles (0.0005%); highest among the groups gnomAD compares: Non-Finnish European, 0.00068%; no homozygotes.

Submission:

Ambry Genetics
Classification: Uncertain significance. Last evaluated: 2024-05-31. Review status: criteria provided, single submitter. Criteria: Ambry Variant Classification Scheme 2023. Collection method: clinical testing. Allele origin: germline.
Comment: The p.S1956F variant (also known as c.5867C>T), located in coding exon 18 of the POLQ gene, results from a C to T substitution at nucleotide position 5867. The serine at codon 1956 is replaced by phenylalanine, an amino acid with highly dissimilar properties. This amino acid position is conserved. In addition, this alteration is predicted to be tolerated by in silico analysis. Since supporting evidence is limited at this time, the clinical significance of this alteration remains unclear.